The following is an entry in ClinVar:

NM_001458.5(FLNC):c.3064G>A (p.Glu1022Lys)

Gene: FLNC (filamin C; plus strand). Cytogenetic location: 7q32.1.
Variant type: single nucleotide variant.
Coding change: c.3064G>A on transcript NM_001458.5 (MANE Select); coding-DNA position 3064, G replaced by A.
Protein change: p.Glu1022Lys; replaces glutamic acid 1022 with lysine.
Molecular consequence: missense variant.
Genome position (GRCh38, 1-based): chr7:128,844,138, G>A. VCF-style: chr7-128844138-G-A. GRCh37 (hg19) VCF-style: chr7-128484192-G-A.
Other names: c.3064G>A, p.Glu1022Lys (NM_001127487.2); short protein forms E1022K.
Identifiers: ClinVar variation 1799411 (VCV001799411.4), dbSNP rs1808455575, ClinGen allele CA369194165.

ClinVar aggregate classification (germline): Uncertain significance. Review status: criteria provided, multiple submitters, no conflicts (2 of 4 stars). 2 submissions from 2 submitters: Uncertain significance (2). Last evaluated 2024-10-21.

Conditions:
Hypertrophic cardiomyopathy 26. Also called: Cardiomyopathy, familial hypertrophic, 26. Identifiers: Orphanet 75249, MedGen C4310749, MONDO:0014883, OMIM 617047.
Myofibrillar myopathy 5. Also called: Filaminopathy (type); FILAMINOPATHY, AUTOSOMAL DOMINANT. Identifiers: Orphanet 171445, MedGen C1836050, MONDO:0012289, OMIM 609524.
Distal myopathy with posterior leg and anterior hand involvement. Also called: WILLIAMS DISTAL MYOPATHY. Identifiers: Orphanet 63273, MedGen C3279722, MONDO:0013550, OMIM 614065.
Cardiovascular phenotype. Identifiers: MedGen CN230736.

Submissions (2):

Labcorp Genetics (formerly Invitae), Labcorp
Classification: Uncertain significance for Distal myopathy with posterior leg and anterior hand involvement; Myofibrillar myopathy 5; Hypertrophic cardiomyopathy 26. Last evaluated: 2024-10-21. Review status: criteria provided, single submitter. Criteria: Invitae Variant Classification Sherloc (09022015). Collection method: clinical testing. Allele origin: germline.
Comment: This sequence change replaces glutamic acid, which is acidic and polar, with lysine, which is basic and polar, at codon 1022 of the FLNC protein (p.Glu1022Lys). This variant is not present in population databases (gnomAD no frequency). This variant has not been reported in the literature in individuals affected with FLNC-related conditions. ClinVar contains an entry for this variant (Variation ID: 1799411). Invitae Evidence Modeling of protein sequence and biophysical properties (such as structural, functional, and spatial information, amino acid conservation, physicochemical variation, residue mobility, and thermodynamic stability) has been performed for this missense variant. However, the output from this modeling did not meet the statistical confidence thresholds required to predict the impact of this variant on FLNC protein function. In summary, the available evidence is currently insufficient to determine the role of this variant in disease. Therefore, it has been classified as a Variant of Uncertain Significance.

Ambry Genetics
Classification: Uncertain significance for Cardiovascular phenotype. Last evaluated: 2023-03-01. Review status: criteria provided, single submitter. Criteria: Ambry Variant Classification Scheme 2023. Collection method: clinical testing. Allele origin: germline.